The following is an entry in ClinVar:

NM_016955.4(SEPSECS):c.389-13_404del

Gene: SEPSECS (Sep (O-phosphoserine) tRNA:Sec (selenocysteine) tRNA synthase; minus strand). Cytogenetic location: 4p15.2.
Variant type: Deletion.
Coding change: c.389-13_404del on transcript NM_016955.4 (MANE Select); 13 bases into the intron before coding-DNA position 389 through coding-DNA position 404, 29 bases deleted (TTCTTATTTGTAGGTGTCCATACAGTAGC).
Molecular consequence: splice acceptor variant.
Genome position (GRCh38, 1-based): chr4:25,156,180-25,156,208, GCTACTGTATGGACACCTACAAATAAGAA deleted on the plus strand (TTCTTATTTGTAGGTGTCCATACAGTAGC on the coding strand, the reverse complement: SEPSECS is on the minus strand); deleting any 29 consecutive bases within chr4:25,156,180-25,156,210 gives the same sequence; the c. name uses the placement nearest the transcript's 3' end. VCF-style (leftmost placement, unchanged base first): chr4-25156179-GGCTACTGTATGGACACCTACAAATAAGAA-G. GRCh37 (hg19) VCF-style: chr4-25157801-GGCTACTGTATGGACACCTACAAATAAGAA-G.
Identifiers: ClinVar variation 1472579 (VCV001472579.7), dbSNP rs2109034260, ClinGen allele CA2573137660.

ClinVar aggregate classification (germline): Likely pathogenic. Review status: criteria provided, multiple submitters, no conflicts (2 of 4 stars). 2 submissions from 2 submitters: Likely pathogenic (2). Last evaluated 2025-01-24.

Conditions:
Pontocerebellar hypoplasia type 2D (PCH2D). Also called: Progressive cerebello-cerebral atrophy. Identifiers: Orphanet 247198, Orphanet 2524, MedGen C3151140, MONDO:0013438, OMIM 613811.

Submissions (2):

Revvity Omics, Revvity
Classification: Likely pathogenic for Pontocerebellar hypoplasia type 2D. Last evaluated: 2025-01-24. Review status: criteria provided, single submitter. Criteria: ACMG Guidelines, 2015. Collection method: clinical testing. Allele origin: germline.

Labcorp Genetics (formerly Invitae), Labcorp
Classification: Likely pathogenic. Last evaluated: 2021-04-26. Review status: criteria provided, single submitter. Criteria: Invitae Variant Classification Sherloc (09022015). Collection method: clinical testing. Allele origin: germline.
Comment: In summary, the currently available evidence indicates that the variant is pathogenic, but additional data are needed to prove that conclusively. Therefore, this variant has been classified as Likely Pathogenic. Algorithms developed to predict the effect of sequence changes on RNA splicing suggest that this variant may disrupt the consensus splice site, but this prediction has not been confirmed by published transcriptional studies. This variant has not been reported in the literature in individuals with SEPSECS-related conditions. This variant is not present in population databases (ExAC no frequency). This variant results in the deletion of part of exon 4 (c.389-13_404del) of the SEPSECS gene. It is expected to disrupt RNA splicing. Variants that disrupt the donor or acceptor splice site typically lead to a loss of protein function (PMID: 16199547), and loss-of-function variants in SEPSECS are known to be pathogenic (PMID: 25558065, 25590979, 26115735).

Literature cited by the submitters: PubMed 16199547 (cited by Labcorp Genetics (formerly Invitae), Labcorp); PubMed 25558065 (cited by Labcorp Genetics (formerly Invitae), Labcorp); PubMed 25590979 (cited by Labcorp Genetics (formerly Invitae), Labcorp); PubMed 26115735 (cited by Labcorp Genetics (formerly Invitae), Labcorp).